The following is an entry in ClinVar:

ClinVar aggregate classification (germline): Pathogenic. Review status: reviewed by expert panel (3 of 4 stars). 2 submissions from 2 submitters: Pathogenic (1). 1 of the submissions does not count toward it. Last evaluated 2017-12-15.

Conditions:
Hereditary breast ovarian cancer syndrome. Also called: Hereditary breast and ovarian cancer syndrome (HBOC); BRCA1- and BRCA2-Associated Hereditary Breast and Ovarian Cancer; Hereditary breast and/or ovarian cancer syndrome; Hereditary breast and ovarian cancer syndrome; Hereditary breast and ovarian cancer; Breast and ovarian cancer. Identifiers: Orphanet 145, MedGen C0677776, MeSH D061325, MONDO:0003582. Disease mechanism: loss of function.
Breast-ovarian cancer, familial, susceptibility to, 1 (BROVCA1). Also called: BRCA1 Hereditary Breast and Ovarian Cancer; OVARIAN CANCER, SUSCEPTIBILITY TO. Identifiers: Orphanet 145, MedGen C2676676, MONDO:0011450, OMIM 604370. Disease mechanism: loss of function.

Submissions (2):

Evidence-based Network for the Interpretation of Germline Mutant Alleles (ENIGMA)
Classification: Pathogenic for Breast-ovarian cancer, familial, susceptibility to, 1. Last evaluated: 2017-12-15. Review status: reviewed by expert panel. Criteria: ENIGMA BRCA1/2 Classification Criteria (2017-06-29). Collection method: curation. Allele origin: germline. Study: ENIGMA.
Comment: Variant allele predicted to encode a truncated non-functional protein.

Department of Pathology and Molecular Medicine, Queen's University
Classification: Pathogenic for Hereditary breast ovarian cancer syndrome. Last evaluated: 2017-04-20. Review status: criteria provided, single submitter. Criteria: ACMG Guidelines, 2015. Collection method: clinical testing. Allele origin: germline. Study: The Canadian Open Genetics Repository (COGR). Not counted in ClinVar's aggregate classification.

NM_007294.4(BRCA1):c.4901_4919del (p.Arg1634fs)

Gene: BRCA1 (BRCA1 DNA repair associated; minus strand). Cytogenetic location: 17q21.31.
Variant type: Deletion.
Coding change: c.4901_4919del on transcript NM_007294.4 (MANE Select); coding-DNA positions 4901 to 4919, 19 bases deleted (GGGAGAAGCCAGAATTGAC).
Protein change: p.Arg1634fs; shifts the reading frame from arginine 1634.
Molecular consequence: frameshift variant. On other transcripts: non-coding transcript variant (1).
Genome position (GRCh38, 1-based): chr17:43,070,995-43,071,013, GTCAATTCTGGCTTCTCCC deleted on the plus strand (GGGAGAAGCCAGAATTGAC on the coding strand, the reverse complement: BRCA1 is on the minus strand). VCF-style (leftmost placement, unchanged base first): chr17-43070994-TGTCAATTCTGGCTTCTCCC-T. GRCh37 (hg19) VCF-style: chr17-41223011-TGTCAATTCTGGCTTCTCCC-T.
Other names: c.4901_4919delGGGAGAAGCCAGAATTGAC (NM_007294.3); c.1586_1604del19, p.Arg529Lysfs (NM_001408401.1, NM_001408402.1, NM_001408403.1 and 8 more transcripts); c.1583_1601del19, p.Arg528Lysfs (NM_001408406.1, NM_001408407.1, NM_001408408.1); c.1580_1598del19, p.Arg527Lysfs (NM_001408409.1); c.1517_1535del19, p.Arg506Lysfs (NM_001408410.1); c.1514_1532del19, p.Arg505Lysfs (NM_001408411.1); c.1511_1529del19, p.Arg504Lysfs (NM_001408412.1, NM_001408413.1, NM_001408414.1 and 2 more transcripts); c.1475_1493del19, p.Arg492Lysfs (NM_001408418.1, NM_001408419.1, NM_001408420.1); and 74 more; short protein forms R1587fs, R1655fs, R530fs, R1634fs.
Identifiers: ClinVar variation 431357 (VCV000431357.2), dbSNP rs1555580678, ClinGen allele CA645373141.